The following is an entry in ClinVar:

NM_032603.5(LOXL3):c.1001G>T (p.Arg334Leu)

Gene: LOXL3 (lysyl oxidase like 3; minus strand). Cytogenetic location: 2p13.1.
Variant type: single nucleotide variant.
Coding change: c.1001G>T on transcript NM_032603.5 (MANE Select); coding-DNA position 1001, G replaced by T.
Protein change: p.Arg334Leu; replaces arginine 334 with leucine.
Molecular consequence: missense variant. On other transcripts: 5 prime UTR variant (1).
Genome position (GRCh38, 1-based): chr2:74,536,383, C>A on the plus strand (G>T on the coding strand, the complement: LOXL3 is on the minus strand). VCF-style: chr2-74536383-C-A. GRCh37 (hg19) VCF-style: chr2-74763510-C-A.
Other names: c.566G>T, p.Arg189Leu (NM_001289164.3); c.-83G>T (NM_001289165.2); short protein forms R189L, R334L.
Identifiers: ClinVar variation 1714397 (VCV001714397.5), dbSNP rs138480120, ClinGen allele CA347390103.

ClinVar aggregate classification (germline): Uncertain significance (1 of 4 stars; one submission).

Submission:

Labcorp Genetics (formerly Invitae), Labcorp
Classification: Uncertain significance. Last evaluated: 2023-08-17. Review status: criteria provided, single submitter. Criteria: Invitae Variant Classification Sherloc (09022015). Collection method: clinical testing. Allele origin: germline.
Comment: In summary, the available evidence is currently insufficient to determine the role of this variant in disease. Therefore, it has been classified as a Variant of Uncertain Significance. An algorithm developed to predict the effect of missense changes on protein structure and function (PolyPhen-2) suggests that this variant is likely to be tolerated. ClinVar contains an entry for this variant (Variation ID: 1714397). This variant has not been reported in the literature in individuals affected with LOXL3-related conditions. This variant is not present in population databases (gnomAD no frequency). This sequence change replaces arginine, which is basic and polar, with leucine, which is neutral and non-polar, at codon 334 of the LOXL3 protein (p.Arg334Leu).